The following is an entry in ClinVar:

ClinVar aggregate classification (germline): Uncertain significance (1 of 4 stars; one submission).

Conditions:
Familial sleep-related hypermotor epilepsy. Also called: Autosomal Dominant Sleep-Related Hypermotor (Hyperkinetic) Epilepsy. Identifiers: Orphanet 98784, MedGen C3696898, MONDO:0000030.

Submission:

Labcorp Genetics (formerly Invitae), Labcorp
Classification: Uncertain significance. Last evaluated: 2023-05-22. Review status: criteria provided, single submitter. Criteria: Invitae Variant Classification Sherloc (09022015). Collection method: clinical testing. Allele origin: germline.
Comment: In summary, the available evidence is currently insufficient to determine the role of this variant in disease. Therefore, it has been classified as a Variant of Uncertain Significance. Advanced modeling of protein sequence and biophysical properties (such as structural, functional, and spatial information, amino acid conservation, physicochemical variation, residue mobility, and thermodynamic stability) performed at Invitae indicates that this missense variant is not expected to disrupt CHRNB2 protein function. This variant has not been reported in the literature in individuals affected with CHRNB2-related conditions. This variant is not present in population databases (gnomAD no frequency). This sequence change replaces arginine, which is basic and polar, with leucine, which is neutral and non-polar, at codon 365 of the CHRNB2 protein (p.Arg365Leu).

NM_000748.3(CHRNB2):c.1094G>T (p.Arg365Leu)

Gene: CHRNB2 (cholinergic receptor nicotinic beta 2 subunit; plus strand). Cytogenetic location: 1q21.3.
Variant type: single nucleotide variant.
Coding change: c.1094G>T on transcript NM_000748.3 (MANE Select); coding-DNA position 1094, G replaced by T.
Protein change: p.Arg365Leu; replaces arginine 365 with leucine.
Molecular consequence: missense variant.
Genome position (GRCh38, 1-based): chr1:154,571,917, G>T. VCF-style: chr1-154571917-G-T. GRCh37 (hg19) VCF-style: chr1-154544393-G-T.
Other names: short protein forms R365L.
Identifiers: ClinVar variation 2867087 (VCV002867087.3), dbSNP rs760653937, ClinGen allele CA342631470.
Genomic context (GRCh38, chr1:154,571,917, plus strand): 5'-CGCTGCTCTTCATGCAGCAGCCACGCCATCATTGCGCCCGTCAGCGCCTGCGCCTGCGGC[G>T]ACGCCAGCGTGAGCGCGAGGGCGCTGGAGCCCTCTTCTTCCGCGAAGCCCCAGGGGCCGA-3'
Protein context (NP_000739.1, residues 355-375): HCARQRLRLR[Arg365Leu]RQREREGAGA